The following is an entry in ClinVar:

NM_001384732.1(CPLANE1):c.9063C>T (p.Tyr3021=)

Gene: CPLANE1 (ciliogenesis and planar polarity effector complex subunit 1; minus strand). Cytogenetic location: 5p13.2.
Variant type: single nucleotide variant.
Coding change: c.9063C>T on transcript NM_001384732.1 (MANE Select); coding-DNA position 9063, C replaced by T.
Protein change: p.Tyr3021=; no amino-acid change (tyrosine 3021 retained).
Molecular consequence: synonymous variant.
Genome position (GRCh38, 1-based): chr5:37,121,739, G>A on the plus strand (C>T on the coding strand, the complement: CPLANE1 is on the minus strand). VCF-style: chr5-37121739-G-A. GRCh37 (hg19) VCF-style: chr5-37121841-G-A.
Other names: c.8901C>T, p.Tyr2967= (NM_023073.4).
Identifiers: ClinVar variation 771587 (VCV000771587.15), dbSNP rs377142277, ClinGen allele CA3237574.

ClinVar aggregate classification (germline): Conflicting classifications of pathogenicity. Review status: criteria provided, conflicting classifications (1 of 4 stars). 4 submissions from 4 submitters: Uncertain significance (1); Likely benign (3). Last evaluated 2026-04-23.

Conditions:
Joubert syndrome 17 (JBTS17). Identifiers: Orphanet 475, MedGen C3553264, MONDO:0013824, OMIM 614615.
CPLANE1-related disorder. Also called: CPLANE1-related condition.

Allele frequency attached by ClinVar (database versions not stated): TOPMed 0.00006; ESP Exome Variant Server 0.00008; gnomAD 0.00004 and 0.00006; gnomAD exomes 0.00008 and 0.00016; ExAC 0.00015; 1000 Genomes Project 0.00020; 1000 Genomes Project 30x 0.00031.
gnomAD v4.1: 121 of 1,613,810 alleles (0.0075%); highest among the groups gnomAD compares: East Asian, 0.14%; no homozygotes.

Submissions (4):

PreventionGenetics, part of Exact Sciences
Classification: Likely benign for CPLANE1-related condition. Last evaluated: 2026-04-23. Review status: criteria provided, single submitter. Criteria: ACMG Guidelines, 2015. Collection method: clinical testing. Allele origin: germline.
Comment: This variant is classified as likely benign based on ACMG/AMP sequence variant interpretation guidelines (Richards et al. 2015 PMID: 25741868, with internal and published modifications).

Labcorp Genetics (formerly Invitae), Labcorp
Classification: Likely benign. Last evaluated: 2026-01-21. Review status: criteria provided, single submitter. Criteria: Invitae Variant Classification Sherloc (09022015). Collection method: clinical testing. Allele origin: germline.

Blueprint Genetics
Classification: Likely benign. Last evaluated: 2024-11-08. Review status: criteria provided, single submitter. Criteria: ACMG Guidelines, 2015. Collection method: clinical testing. Allele origin: germline.

Illumina Laboratory Services, Illumina
Classification: Uncertain significance for Joubert syndrome 17. Last evaluated: 2018-03-23. Review status: criteria provided, single submitter. Criteria: ICSL Variant Classification Criteria 13 December 2019. Collection method: clinical testing. Allele origin: germline.